The following is an entry in ClinVar:

ClinVar aggregate classification (germline): Benign. Review status: criteria provided, multiple submitters, no conflicts (2 of 4 stars). 4 submissions from 4 submitters: Benign (4). Last evaluated 2026-02-02.

Conditions:
MAP3K20-related disorder. Also called: MAP3K20-related condition.

Allele frequency attached by ClinVar (database versions not stated): ESP Exome Variant Server 0.01679; 1000 Genomes Project 0.01757; 1000 Genomes Project 30x 0.01952.
gnomAD v4.1: 4,581 of 1,592,514 alleles (0.29%); highest among the groups gnomAD compares: African/African-American, 5.1%; 110 homozygotes.

Submissions (4):

Labcorp Genetics (formerly Invitae), Labcorp
Classification: Benign. Last evaluated: 2026-02-02. Review status: criteria provided, single submitter. Criteria: Invitae Variant Classification Sherloc (09022015). Collection method: clinical testing. Allele origin: germline.

Mayo Clinic Laboratories, Mayo Clinic
Classification: Benign. Last evaluated: 2025-01-13. Review status: criteria provided, single submitter. Criteria: ACMG Guidelines, 2015. Collection method: clinical testing. Allele origin: germline. Observed: 1 variant allele.

PreventionGenetics, part of Exact Sciences
Classification: Benign for MAP3K20-related condition. Last evaluated: 2024-12-31. Review status: criteria provided, single submitter. Criteria: ACMG Guidelines, 2015. Collection method: clinical testing. Allele origin: germline.
Comment: This variant is classified as benign based on ACMG/AMP sequence variant interpretation guidelines (Richards et al. 2015 PMID: 25741868, with internal and published modifications).

GeneDx
Classification: Benign. Last evaluated: 2021-05-05. Review status: criteria provided, single submitter. Criteria: GeneDx Variant Classification Process June 2021. Collection method: clinical testing. Allele origin: germline. Affected: yes.

NM_016653.3(MAP3K20):c.1738C>T (p.Arg580Trp)

Genes: MAP3K20 (mitogen-activated protein kinase kinase kinase 20; plus strand), MAP3K20-AS1 (MAP3K20 antisense RNA 1; minus strand). Cytogenetic location: 2q31.1.
Variant type: single nucleotide variant.
Coding change: c.1738C>T on transcript NM_016653.3 (MANE Select); coding-DNA position 1738, C replaced by T.
Protein change: p.Arg580Trp; replaces arginine 580 with tryptophan.
Molecular consequence: missense variant.
Genome position (GRCh38, 1-based): chr2:173,266,085, C>T. VCF-style: chr2-173266085-C-T. GRCh37 (hg19) VCF-style: chr2-174130813-C-T.
Other names: p.Arg580Trp; short protein forms R580W.
Identifiers: ClinVar variation 1259921 (VCV001259921.12), dbSNP rs7593622, ClinGen allele CA1970952.